The following is an entry in ClinVar:

NM_000548.5(TSC2):c.3134C>T (p.Ser1045Phe)

Gene: TSC2 (TSC complex subunit 2; plus strand). Cytogenetic location: 16p13.3.
Variant type: single nucleotide variant.
Coding change: c.3134C>T on transcript NM_000548.5 (MANE Select); coding-DNA position 3134, C replaced by T.
Protein change: p.Ser1045Phe; replaces serine 1045 with phenylalanine.
Molecular consequence: missense variant.
Genome position (GRCh38, 1-based): chr16:2,079,278, C>T. VCF-style: chr16-2079278-C-T. GRCh37 (hg19) VCF-style: chr16-2129279-C-T.
Other names: c.3002C>T, p.Ser1001Phe (NM_001077183.3, NM_001370404.1, NM_001406665.1); c.3134C>T, p.Ser1045Phe (NM_001114382.3); c.2894C>T, p.Ser965Phe (NM_001318827.2); c.2858C>T, p.Ser953Phe (NM_001318829.2); c.2402C>T, p.Ser801Phe (NM_001318831.2, NM_001406687.1, NM_001406688.1); c.3035C>T, p.Ser1012Phe (NM_001318832.2); c.3005C>T, p.Ser1002Phe (NM_001363528.2, NM_001370405.1, NM_021055.3); c.3131C>T, p.Ser1044Phe (NM_001406663.1, NM_001406664.1); and 18 more; short protein forms S1001F, S1002F, S1008F, S1012F, S1031F, S1032F, S1044F, S1045F.
Identifiers: ClinVar variation 1711398 (VCV001711398.30), dbSNP rs1567497647, ClinGen allele CA394285147.
Genomic context (GRCh38, chr16:2,079,278, plus strand): 5'-TGGGCGGGCCTGCGGGAGCTCCACGGGCAAGCTGGGTTTCACGCTCCCTGTCTTCTAGGT[C>T]TCCTGTGGGCGAGTTCCTCCTAGCGGGTGGCAGGACCAAAACCTGGCTGGTTGGGAACAA-3'
Protein context (NP_000539.2, residues 1035-1055): FSNFTAVPKR[Ser1045Phe]PVGEFLLAGG

ClinVar aggregate classification (germline): Likely pathogenic (1 of 4 stars; one submission).

Allele frequency attached by ClinVar (database versions not stated): gnomAD exomes below 0.00001; TOPMed below 0.00001.

Submission:

CeGaT Center for Human Genetics Tuebingen
Classification: Likely pathogenic. Last evaluated: 2022-08-01. Review status: criteria provided, single submitter. Criteria: CeGaT Center For Human Genetics Tuebingen Variant Classification Criteria Version 2. Collection method: clinical testing. Allele origin: germline. Affected: yes. Observed: 1 variant allele.
Comment: TSC2: PS3, PM2